The following is an entry in ClinVar:

NM_000548.5(TSC2):c.4990-7dup

Gene: TSC2 (TSC complex subunit 2; plus strand). Cytogenetic location: 16p13.3.
Variant type: Duplication.
Coding change: c.4990-7dup on transcript NM_000548.5 (MANE Select); 7 bases into the intron before coding-DNA position 4990, one base duplicated (C; older notation c.4990-7dupC).
Molecular consequence: intron variant.
Genome position (GRCh38, 1-based): chr16:2,087,856, C duplicated; the last of 2 consecutive C bases (chr16:2,087,855-2,087,856); duplicating either gives the same sequence. VCF-style (leftmost placement, unchanged base first): chr16-2087854-T-TC. GRCh37 (hg19) VCF-style: chr16-2137855-T-TC.
Other names: c.4990-7dupC (NM_000548.3); c.4921-7dup (NM_001114382.3); c.4861-7dup (NM_021055.3, NM_001370405.1); c.4792-7dup (NM_001363528.2); c.4858-7dup (NM_001370404.1); c.4789-7dup (NM_001077183.3); c.4681-7dup (NM_001318827.2); c.4258-7dup (NM_001318831.2); and 2 more.
Identifiers: ClinVar variation 536107 (VCV000536107.9), dbSNP rs1555439636, ClinGen allele CA658798493.

ClinVar aggregate classification (germline): Likely benign. Review status: criteria provided, multiple submitters, no conflicts (2 of 4 stars). 2 submissions from 2 submitters: Likely benign (2). Last evaluated 2025-06-05.

Conditions:
Tuberous sclerosis 2 (TSC2). Identifiers: Orphanet 805, MedGen C1860707, MONDO:0013199, OMIM 613254.

Submissions (2):

Myriad Genetics, Inc.
Classification: Likely benign for Tuberous sclerosis 2. Last evaluated: 2025-06-05. Review status: criteria provided, single submitter. Criteria: Myriad Autosomal Dominant, Autosomal Recessive and X-Linked Classification Criteria (2023). Collection method: clinical testing. Allele origin: unknown.
Comment: This variant is considered likely benign. This variant is intronic and is not expected to impact mRNA splicing.

Labcorp Genetics (formerly Invitae), Labcorp
Classification: Likely benign for Tuberous sclerosis 2. Last evaluated: 2023-07-07. Review status: criteria provided, single submitter. Criteria: Invitae Variant Classification Sherloc (09022015). Collection method: clinical testing. Allele origin: germline.